The following is an entry in ClinVar:

ClinVar aggregate classification (germline): Uncertain significance (1 of 4 stars; one submission).

Conditions:
Cohen syndrome (COH1). Also called: Cutis verticis gyrata, retinitis pigmentosa, and sensorineural deafness; PEPPER SYNDROME. Identifiers: Orphanet 193, MedGen C0265223, MONDO:0008999, OMIM 216550.

Submission:

Labcorp Genetics (formerly Invitae), Labcorp
Classification: Uncertain significance for Cohen syndrome. Last evaluated: 2021-08-11. Review status: criteria provided, single submitter. Criteria: Invitae Variant Classification Sherloc (09022015). Collection method: clinical testing. Allele origin: germline.
Comment: This sequence change replaces threonine with lysine at codon 495 of the VPS13B protein (p.Thr495Lys). The threonine residue is weakly conserved and there is a moderate physicochemical difference between threonine and lysine. This variant is not present in population databases (ExAC no frequency). This variant has not been reported in the literature in individuals affected with VPS13B-related conditions. Algorithms developed to predict the effect of missense changes on protein structure and function are either unavailable or do not agree on the potential impact of this missense change (SIFT: "Not Available"; PolyPhen-2: "Possibly Damaging"; Align-GVGD: "Not Available"). In summary, the available evidence is currently insufficient to determine the role of this variant in disease. Therefore, it has been classified as a Variant of Uncertain Significance.

NM_152564.5(VPS13B):c.1484C>A (p.Thr495Lys)

Gene: VPS13B (vacuolar protein sorting 13 homolog B; plus strand). Cytogenetic location: 8q22.2.
Variant type: single nucleotide variant.
Coding change: c.1484C>A on transcript NM_152564.5 (MANE Select); coding-DNA position 1484, C replaced by A.
Protein change: p.Thr495Lys; replaces threonine 495 with lysine.
Molecular consequence: missense variant.
Genome position (GRCh38, 1-based): chr8:99,135,654, C>A. VCF-style: chr8-99135654-C-A. GRCh37 (hg19) VCF-style: chr8-100147882-C-A.
Other names: c.1484C>A, p.Thr495Lys (NM_015243.3, NM_017890.5); short protein forms T495K.
Identifiers: ClinVar variation 1964857 (VCV001964857.2), dbSNP rs1810032995, ClinGen allele CA371863224.